The following is an entry in ClinVar:

ClinVar aggregate classification (germline): Uncertain significance (1 of 4 stars; one submission).

gnomAD v4.1: 1 of 1,207,101 alleles (0.000083%); no homozygotes.

Submission:

CeGaT Center for Human Genetics Tuebingen
Classification: Uncertain significance. Last evaluated: 2023-04-01. Review status: criteria provided, single submitter. Criteria: CeGaT Center For Human Genetics Tuebingen Variant Classification Criteria Version 2. Collection method: clinical testing. Allele origin: germline. Affected: yes. Observed: 1 variant allele.
Comment: CENPI: PM2, BP4

NM_001386188.2(CENPI):c.1195+6A>G

Gene: CENPI (centromere protein I; plus strand). Cytogenetic location: Xq22.1.
Variant type: single nucleotide variant.
Coding change: c.1195+6A>G on transcript NM_001386188.2 (MANE Select); 6 bases into the intron after coding-DNA position 1195, A replaced by G.
Molecular consequence: intron variant.
Genome position (GRCh38, 1-based): chrX:101,128,842, A>G. VCF-style: chrX-101128842-A-G. GRCh37 (hg19) VCF-style: chrX-100383831-A-G.
Other names: c.1195+6A>G (NM_001318521.2, NM_006733.3, NM_001318523.1).
Identifiers: ClinVar variation 2661053 (VCV002661053.24), dbSNP rs2522783025, ClinGen allele CA2694279775.